The following is an entry in ClinVar:

ClinVar aggregate classification (germline): Uncertain significance (1 of 4 stars; one submission).

Allele frequency attached by ClinVar (database versions not stated): ExAC 0.00001; gnomAD 0.00001; gnomAD exomes 0.00001.
gnomAD v4.1: 21 of 1,613,942 alleles (0.0013%); highest among the groups gnomAD compares: Non-Finnish European, 0.0017%; no homozygotes.

Submission:

Labcorp Genetics (formerly Invitae), Labcorp
Classification: Uncertain significance. Last evaluated: 2025-12-05. Review status: criteria provided, single submitter. Criteria: Invitae Variant Classification Sherloc (09022015). Collection method: clinical testing. Allele origin: germline.
Comment: This sequence change replaces alanine, which is neutral and non-polar, with threonine, which is neutral and polar, at codon 40 of the BRD4 protein (p.Ala40Thr). This variant is present in population databases (rs768982122, gnomAD 0.0009%). This variant has not been reported in the literature in individuals affected with BRD4-related conditions. ClinVar contains an entry for this variant (Variation ID: 2787018). Invitae Evidence Modeling of protein sequence and biophysical properties (such as structural, functional, and spatial information, amino acid conservation, physicochemical variation, residue mobility, and thermodynamic stability) indicates that this missense variant is not expected to disrupt BRD4 protein function with a negative predictive value of 80%. In summary, the available evidence is currently insufficient to determine the role of this variant in disease. Therefore, it has been classified as a Variant of Uncertain Significance.

NM_001379291.1(BRD4):c.118G>A (p.Ala40Thr)

Gene: BRD4 (bromodomain containing 4; minus strand). Cytogenetic location: 19p13.12.
Variant type: single nucleotide variant.
Coding change: c.118G>A on transcript NM_001379291.1 (MANE Select); coding-DNA position 118, G replaced by A.
Protein change: p.Ala40Thr; replaces alanine 40 with threonine.
Molecular consequence: missense variant.
Genome position (GRCh38, 1-based): chr19:15,272,982, C>T on the plus strand (G>A on the coding strand, the complement: BRD4 is on the minus strand). VCF-style: chr19-15272982-C-T. GRCh37 (hg19) VCF-style: chr19-15383793-C-T.
Other names: c.118G>A, p.Ala40Thr (NM_001330384.2, NM_001379292.1, NM_014299.3 and 1 more transcripts); short protein forms A40T.
Identifiers: ClinVar variation 2787018 (VCV002787018.3), dbSNP rs768982122, ClinGen allele CA9265717.